The following is an entry in ClinVar:

NM_001290060.2(SEMA3B):c.462C>T (p.Leu154=)

Gene: SEMA3B (semaphorin 3B; plus strand). Cytogenetic location: 3p21.31.
Variant type: single nucleotide variant.
Coding change: c.462C>T on transcript NM_001290060.2 (MANE Select); coding-DNA position 462, C replaced by T.
Protein change: p.Leu154=; no amino-acid change (leucine 154 retained).
Molecular consequence: synonymous variant.
Genome position (GRCh38, 1-based): chr3:50,271,099, C>T. VCF-style: chr3-50271099-C-T. GRCh37 (hg19) VCF-style: chr3-50308530-C-T.
Other names: c.462C>T, p.Leu154= (NM_001005914.3, NM_001290061.1, NM_004636.4).
Identifiers: ClinVar variation 3038815 (VCV003038815.1), dbSNP rs2470766031, ClinGen allele CA2740094440.

ClinVar aggregate classification (germline): Benign (1 of 4 stars; one submission).

Conditions:
SEMA3B-related disorder. Also called: SEMA3B-related condition.

Submission:

PreventionGenetics, part of Exact Sciences
Classification: Benign for SEMA3B-related condition. Last evaluated: 2021-05-26. Review status: criteria provided, single submitter. Criteria: ACMG Guidelines, 2015. Collection method: clinical testing. Allele origin: germline.
Comment: This variant is classified as benign based on ACMG/AMP sequence variant interpretation guidelines (Richards et al. 2015 PMID: 25741868, with internal and published modifications).